The following is an entry in ClinVar:

NM_000048.4(ASL):c.321G>A (p.Leu107=)

Gene: ASL (argininosuccinate lyase; plus strand). Cytogenetic location: 7q11.21.
Variant type: single nucleotide variant.
Coding change: c.321G>A on transcript NM_000048.4 (MANE Select); coding-DNA position 321, G replaced by A.
Protein change: p.Leu107=; no amino-acid change (leucine 107 retained).
Molecular consequence: synonymous variant.
Genome position (GRCh38, 1-based): chr7:66,082,909, G>A. VCF-style: chr7-66082909-G-A. GRCh37 (hg19) VCF-style: chr7-65547896-G-A.
Other names: c.321G>A, p.Leu107= (NM_001024943.2, NM_001024944.2, NM_001024946.2).
Identifiers: ClinVar variation 4978040 (VCV004978040.1).
Genomic context (GRCh38, chr7:66,082,909, plus strand): 5'-ACCGTGACCCTGGGTCTCCCTTCACCTCCAGGAGCTCATTGGTGCAACGGCAGGGAAGCT[G>A]CACACGGGACGGAGCCGGAATGACCAGGTGCTTTAGCCCCTCCACCCCCTGCTCCGTGTT-3'
Protein context (NP_000039.2, residues 97-117): KELIGATAGK[Leu107=]HTGRSRNDQV

ClinVar aggregate classification (germline): Likely benign (1 of 4 stars; one submission).

Conditions:
ASL-related disorder. Also called: ASL-related condition.

gnomAD v4.1: 3 of 1,613,710 alleles (0.00019%); highest among the groups gnomAD compares: Non-Finnish European, 0.00025%; no homozygotes.

Submission:

PreventionGenetics, part of Exact Sciences
Classification: Likely benign for ASL-related condition. Last evaluated: 2025-05-05. Review status: criteria provided, single submitter. Criteria: ACMG Guidelines, 2015. Collection method: clinical testing. Allele origin: germline.
Comment: This variant is classified as likely benign based on ACMG/AMP sequence variant interpretation guidelines (Richards et al. 2015 PMID: 25741868, with internal and published modifications).